The following is an entry in ClinVar:

NM_001004334.4(GPR179):c.3761G>A (p.Arg1254His)

Gene: GPR179 (G protein-coupled receptor 179; minus strand). Cytogenetic location: 17q12.
Variant type: single nucleotide variant.
Coding change: c.3761G>A on transcript NM_001004334.4 (MANE Select); coding-DNA position 3761, G replaced by A.
Protein change: p.Arg1254His; replaces arginine 1254 with histidine.
Molecular consequence: missense variant.
Genome position (GRCh38, 1-based): chr17:38,329,808, C>T on the plus strand (G>A on the coding strand, the complement: GPR179 is on the minus strand). VCF-style: chr17-38329808-C-T. GRCh37 (hg19) VCF-style: chr17-36485691-C-T.
Other names: short protein forms R1254H.
Identifiers: ClinVar variation 1952497 (VCV001952497.5), dbSNP rs777801911, ClinGen allele CA290104794.

ClinVar aggregate classification (germline): Uncertain significance (1 of 4 stars; one submission).

Allele frequency attached by ClinVar (database versions not stated): ExAC 0.00001; gnomAD 0.00001; TOPMed 0.00001.
gnomAD v4.1: 9 of 1,613,892 alleles (0.00056%); highest among the groups gnomAD compares: Non-Finnish European, 0.00076%; no homozygotes.

Submission:

Labcorp Genetics (formerly Invitae), Labcorp
Classification: Uncertain significance. Last evaluated: 2022-06-12. Review status: criteria provided, single submitter. Criteria: Invitae Variant Classification Sherloc (09022015). Collection method: clinical testing. Allele origin: germline.
Comment: This variant is present in population databases (rs777801911, gnomAD 0.002%). In summary, the available evidence is currently insufficient to determine the role of this variant in disease. Therefore, it has been classified as a Variant of Uncertain Significance. Algorithms developed to predict the effect of missense changes on protein structure and function output the following: SIFT: "Tolerated"; PolyPhen-2: "Benign"; Align-GVGD: "Class C0". The histidine amino acid residue is found in multiple mammalian species, which suggests that this missense change does not adversely affect protein function. This variant has not been reported in the literature in individuals affected with GPR179-related conditions. This sequence change replaces arginine, which is basic and polar, with histidine, which is basic and polar, at codon 1254 of the GPR179 protein (p.Arg1254His).